The following is an entry in ClinVar:

NM_001308093.3(GATA4):c.454G>T (p.Ala152Ser)

Gene: GATA4 (GATA binding protein 4). Cytogenetic location: 8p23.1.
Variant type: single nucleotide variant.
Coding change: c.454G>T on transcript NM_001308093.3 (MANE Select); coding-DNA position 454, G replaced by T.
Protein change: p.Ala152Ser; replaces alanine 152 with serine.
Molecular consequence: missense variant. On other transcripts: intron variant (3).
Genome position (GRCh38, 1-based): chr8:11,708,766, G>T. VCF-style: chr8-11708766-G-T. GRCh37 (hg19) VCF-style: chr8-11566275-G-T.
Other names: c.454G>T, p.Ala152Ser (NM_002052.5); c.-6+7988G>T (NM_001308094.2); c.-3+752G>T (NM_001374274.1); c.-3+4462G>T (NM_001374273.1); short protein forms A152S.
Identifiers: ClinVar variation 4028537 (VCV004028537.2).
Genomic context (GRCh38, chr8:11,708,766, plus strand): 5'-TACAGCAGTGGCGGCGGAGCGGCGGGTGCGGGCCTGGCGGGCCGCGAGCAGTACGGGCGC[G>T]CCGGCTTCGCGGGCTCCTACTCCAGCCCCTACCCGGCTTACATGGCCGACGTGGGCGCGT-3'
Protein context (NP_001295022.1, residues 142-162): GLAGREQYGR[Ala152Ser]GFAGSYSSPY

ClinVar aggregate classification (germline): Uncertain significance (1 of 4 stars; one submission).

Conditions:
Cardiovascular phenotype. Identifiers: MedGen CN230736.

Submission:

Ambry Genetics
Classification: Uncertain significance for Cardiovascular phenotype. Last evaluated: 2025-10-12. Review status: criteria provided, single submitter. Criteria: Ambry Variant Classification Scheme 2023. Collection method: clinical testing. Allele origin: germline.
Comment: The p.A152S variant (also known as c.454G>T), located in coding exon 1 of the GATA4 gene, results from a G to T substitution at nucleotide position 454. The alanine at codon 152 is replaced by serine, an amino acid with similar properties. This amino acid position is conserved. In addition, this alteration is predicted to be tolerated by in silico analysis. Based on the available evidence, the clinical significance of this variant remains unclear.